The following is an entry in ClinVar:

NM_000302.4(PLOD1):c.76+17C>T

Gene: PLOD1 (procollagen-lysine,2-oxoglutarate 5-dioxygenase 1; plus strand). Cytogenetic location: 1p36.22.
Variant type: single nucleotide variant.
Coding change: c.76+17C>T on transcript NM_000302.4 (MANE Select); 17 bases into the intron after coding-DNA position 76, C replaced by T.
Molecular consequence: intron variant.
Genome position (GRCh38, 1-based): chr1:11,934,872, C>T. VCF-style: chr1-11934872-C-T. GRCh37 (hg19) VCF-style: chr1-11994929-C-T.
Other names: c.76+17C>T (NM_001316320.2).
Identifiers: ClinVar variation 506373 (VCV000506373.20), dbSNP rs113691754, ClinGen allele CA597713.
Genomic context (GRCh38, chr1:11,934,872, plus strand): 5'-CTGGCTGCTGCTGGCCGAAGCGAAGGGCGACGCCAAGCCGGAGGGTGAGGGAGCGAAGGC[C>T]GGGGGCGGGAGCGCGGATCCGGGCGGGAGGGCTGGTGTCGGGCTGCCTCCCTGGGAACGA-3'

ClinVar aggregate classification (germline): Benign/Likely benign. Review status: criteria provided, multiple submitters, no conflicts (2 of 4 stars). 6 submissions from 6 submitters: Benign (2); Likely benign (4). Last evaluated 2026-02-02.

Conditions:
Familial thoracic aortic aneurysm and aortic dissection (TAAD). Also called: Thoracic aortic aneurysms and dissections. Identifiers: Orphanet 91387, MedGen C4707243, MONDO:0019625.
Ehlers-Danlos syndrome, kyphoscoliotic type 1 (EDSKSCL1). Also called: EHLERS-DANLOS SYNDROME, TYPE VIA; EHLERS-DANLOS SYNDROME, OCULAR-SCOLIOTIC TYPE; Ehlers-Danlos syndrome, hydroxylysine-deficient; PLOD1-Related Kyphoscoliotic Ehlers-Danlos Syndrome. Identifiers: Orphanet 1900, MedGen C0268342, MONDO:0016002, OMIM 225400. Disease mechanism: loss of function.

Allele frequency attached by ClinVar (database versions not stated): gnomAD exomes 0.00094; ExAC 0.00110; ESP Exome Variant Server 0.00494; gnomAD 0.00498; TOPMed 0.00572; 1000 Genomes Project 0.00659; 1000 Genomes Project 30x 0.00703.
gnomAD v4.1: 1,451 of 1,533,562 alleles (0.095%); highest among the groups gnomAD compares: African/African-American, 1.9%; 11 homozygotes.

Submissions (6):

Labcorp Genetics (formerly Invitae), Labcorp
Classification: Benign for Ehlers-Danlos syndrome, kyphoscoliotic type 1. Last evaluated: 2026-02-02. Review status: criteria provided, single submitter. Criteria: Invitae Variant Classification Sherloc (09022015). Collection method: clinical testing. Allele origin: germline.

Blueprint Genetics
Classification: Likely benign. Last evaluated: 2024-10-18. Review status: criteria provided, single submitter. Criteria: ACMG Guidelines, 2015. Collection method: clinical testing. Allele origin: germline.

Women's Health and Genetics/Laboratory Corporation of America, LabCorp
Classification: Likely benign. Last evaluated: 2023-08-10. Review status: criteria provided, single submitter. Criteria: LabCorp Variant Classification Summary - May 2015. Collection method: clinical testing. Allele origin: germline.

ARUP Laboratories, Molecular Genetics and Genomics, ARUP Laboratories
Classification: Benign for Ehlers-Danlos syndrome, kyphoscoliotic type 1. Last evaluated: 2020-03-18. Review status: criteria provided, single submitter. Criteria: ARUP Molecular Germline Variant Investigation Process. Collection method: clinical testing. Allele origin: germline.

GeneDx
Classification: Likely benign. Last evaluated: 2018-01-26. Review status: criteria provided, single submitter. Criteria: GeneDx Variant Classification (06012015). Collection method: clinical testing. Allele origin: germline. Affected: yes.
Comment: This variant is considered likely benign or benign based on one or more of the following criteria: it is a conservative change, it occurs at a poorly conserved position in the protein, it is predicted to be benign by multiple in silico algorithms, and/or has population frequency not consistent with disease.

Ambry Genetics
Classification: Likely benign for Familial thoracic aortic aneurysm and aortic dissection. Last evaluated: 2015-02-27. Review status: criteria provided, single submitter. Criteria: Ambry Variant Classification Scheme 2023. Collection method: clinical testing. Allele origin: germline.